The following is an entry in ClinVar:

ClinVar aggregate classification (germline): Uncertain significance (1 of 4 stars; one submission).

Submission:

GeneDx
Classification: Uncertain significance. Last evaluated: 2025-05-18. Review status: criteria provided, single submitter. Criteria: GeneDx Variant Classification Process June 2021. Collection method: clinical testing. Allele origin: germline. Affected: yes.
Comment: Not observed at significant frequency in large population cohorts (gnomAD); In silico analysis supports a deleterious effect on splicing; Has not been previously published as pathogenic or benign to our knowledge

NM_000875.5(IGF1R):c.1248-3T>G

Gene: IGF1R (insulin like growth factor 1 receptor; plus strand). Cytogenetic location: 15q26.3.
Variant type: single nucleotide variant.
Coding change: c.1248-3T>G on transcript NM_000875.5 (MANE Select); 3 bases into the intron before coding-DNA position 1248, T replaced by G.
Molecular consequence: intron variant.
Genome position (GRCh38, 1-based): chr15:98,908,682, T>G. VCF-style: chr15-98908682-T-G. GRCh37 (hg19) VCF-style: chr15-99451911-T-G.
Other names: c.1248-3T>G (NM_001291858.2).
Identifiers: ClinVar variation 4530950 (VCV004530950.1).